The following is an entry in ClinVar:

NM_000238.4(KCNH2):c.2834G>A (p.Gly945Asp)

Gene: KCNH2 (potassium voltage-gated channel subfamily H member 2; minus strand). Cytogenetic location: 7q36.1.
Variant type: single nucleotide variant.
Coding change: c.2834G>A on transcript NM_000238.4 (MANE Select); coding-DNA position 2834, G replaced by A.
Protein change: p.Gly945Asp; replaces glycine 945 with aspartic acid.
Molecular consequence: missense variant.
Genome position (GRCh38, 1-based): chr7:150,947,737, C>T on the plus strand (G>A on the coding strand, the complement: KCNH2 is on the minus strand). VCF-style: chr7-150947737-C-T. GRCh37 (hg19) VCF-style: chr7-150644825-C-T.
Other names: c.2546G>A, p.Gly849Asp (NM_001406753.1); c.1814G>A, p.Gly605Asp (NM_172057.3); short protein forms G849D, G605D, G945D.
Identifiers: ClinVar variation 2161450 (VCV002161450.5), dbSNP rs781255319, ClinGen allele CA034981.

ClinVar aggregate classification (germline): Uncertain significance. Review status: criteria provided, multiple submitters, no conflicts (2 of 4 stars). 2 submissions from 2 submitters: Uncertain significance (2). Last evaluated 2024-07-23.

Conditions:
Cardiac arrhythmia. Also called: Arrhythmia; Cardiac rhythm disease. Identifiers: MedGen C0003811, MONDO:0007263, HP:0011675.
Long QT syndrome (LQTS). Identifiers: MedGen C0023976, MeSH D008133, MONDO:0002442. Disease mechanism: loss of function. Inheritance: Various modes of inheritance.

Allele frequency attached by ClinVar (database versions not stated): TOPMed below 0.00001.

Submissions (2):

Color Diagnostics, LLC DBA Color Health
Classification: Uncertain significance for Cardiac arrhythmia. Last evaluated: 2024-07-23. Review status: criteria provided, single submitter. Criteria: ACMG Guidelines, 2015. Collection method: clinical testing. Allele origin: germline.
Comment: This missense variant replaces glycine with aspartic acid at codon 945 of the KCNH2 protein. Computational prediction is inconclusive regarding the impact of this variant on protein structure and function (internally defined REVEL score threshold 0.5 < inconclusive < 0.7, PMID: 27666373). To our knowledge, functional studies have not been reported for this variant. This variant has not been reported in individuals affected with KCNH2-related disorders in the literature. This variant has not been identified in the general population by the Genome Aggregation Database (gnomAD). The available evidence is insufficient to determine the role of this variant in disease conclusively. Therefore, this variant is classified as a Variant of Uncertain Significance.

Labcorp Genetics (formerly Invitae), Labcorp
Classification: Uncertain significance for Long QT syndrome. Last evaluated: 2022-05-18. Review status: criteria provided, single submitter. Criteria: Invitae Variant Classification Sherloc (09022015). Collection method: clinical testing. Allele origin: germline.
Comment: This variant has not been reported in the literature in individuals affected with KCNH2-related conditions. This variant is not present in population databases (gnomAD no frequency). This sequence change replaces glycine, which is neutral and non-polar, with aspartic acid, which is acidic and polar, at codon 945 of the KCNH2 protein (p.Gly945Asp). Algorithms developed to predict the effect of missense changes on protein structure and function (SIFT, PolyPhen-2, Align-GVGD) all suggest that this variant is likely to be tolerated. In summary, the available evidence is currently insufficient to determine the role of this variant in disease. Therefore, it has been classified as a Variant of Uncertain Significance.